The following is an entry in ClinVar:

NM_006944.3(SPP2):c.317A>G (p.Gln106Arg)

Gene: SPP2 (secreted phosphoprotein 2; plus strand). Cytogenetic location: 2q37.1.
Variant type: single nucleotide variant.
Coding change: c.317A>G on transcript NM_006944.3 (MANE Select); coding-DNA position 317, A replaced by G.
Protein change: p.Gln106Arg; replaces glutamine 106 with arginine.
Molecular consequence: missense variant.
Genome position (GRCh38, 1-based): chr2:234,058,942, A>G. VCF-style: chr2-234058942-A-G. GRCh37 (hg19) VCF-style: chr2-234967586-A-G.
Other names: short protein forms Q106R.
Identifiers: ClinVar variation 3630285 (VCV003630285.2).

ClinVar aggregate classification (germline): Uncertain significance (1 of 4 stars; one submission).

Submission:

Labcorp Genetics (formerly Invitae), Labcorp
Classification: Uncertain significance. Last evaluated: 2024-05-19. Review status: criteria provided, single submitter. Criteria: Invitae Variant Classification Sherloc (09022015). Collection method: clinical testing. Allele origin: germline.
Comment: This sequence change replaces glutamine, which is neutral and polar, with arginine, which is basic and polar, at codon 106 of the SPP2 protein (p.Gln106Arg). This variant is not present in population databases (gnomAD no frequency). This variant has not been reported in the literature in individuals affected with SPP2-related conditions. Algorithms developed to predict the effect of missense changes on protein structure and function output the following: SIFT: "Not Available"; PolyPhen-2: "Benign"; Align-GVGD: "Not Available". The arginine amino acid residue is found in multiple mammalian species, which suggests that this missense change does not adversely affect protein function. In summary, the available evidence is currently insufficient to determine the role of this variant in disease. Therefore, it has been classified as a Variant of Uncertain Significance.